The following is an entry in ClinVar:

NM_002361.4(MAG):c.439C>G (p.Pro147Ala)

Gene: MAG (myelin associated glycoprotein; plus strand). Cytogenetic location: 19q13.12.
Variant type: single nucleotide variant.
Coding change: c.439C>G on transcript NM_002361.4 (MANE Select); coding-DNA position 439, C replaced by G.
Protein change: p.Pro147Ala; replaces proline 147 with alanine.
Molecular consequence: missense variant.
Genome position (GRCh38, 1-based): chr19:35,299,577, C>G. VCF-style: chr19-35299577-C-G. GRCh37 (hg19) VCF-style: chr19-35790480-C-G.
Other names: c.364C>G, p.Pro122Ala (NM_001199216.2); c.439C>G, p.Pro147Ala (NM_080600.3); short protein forms P147A, P122A.
Identifiers: ClinVar variation 969102 (VCV000969102.7), dbSNP rs202205105, ClinGen allele CA9376030.

ClinVar aggregate classification (germline): Uncertain significance. Review status: criteria provided, multiple submitters, no conflicts (2 of 4 stars). 2 submissions from 2 submitters: Uncertain significance (2). Last evaluated 2023-11-01.

Conditions:
Inborn genetic diseases. Identifiers: MedGen C0950123, MeSH D030342.
Hereditary spastic paraplegia 75. Also called: Spastic paraplegia 75, autosomal recessive. Identifiers: Orphanet 459056, MedGen C4225250, MONDO:0014729, OMIM 616680.

Allele frequency attached by ClinVar (database versions not stated): TOPMed 0.00025; ExAC 0.00029; gnomAD exomes 0.00034 and 0.00051; ESP Exome Variant Server 0.00038; gnomAD 0.00038 and 0.00040.
gnomAD v4.1: 779 of 1,601,352 alleles (0.049%); highest among the groups gnomAD compares: Non-Finnish European, 0.055%; no homozygotes.

Submissions (2):

Ambry Genetics
Classification: Uncertain significance for Inborn genetic diseases. Last evaluated: 2023-11-01. Review status: criteria provided, single submitter. Criteria: Ambry Variant Classification Scheme 2023. Collection method: clinical testing. Allele origin: germline.

Labcorp Genetics (formerly Invitae), Labcorp
Classification: Uncertain significance for Hereditary spastic paraplegia 75. Last evaluated: 2022-08-23. Review status: criteria provided, single submitter. Criteria: Invitae Variant Classification Sherloc (09022015). Collection method: clinical testing. Allele origin: germline.
Comment: This sequence change replaces proline, which is neutral and non-polar, with alanine, which is neutral and non-polar, at codon 147 of the MAG protein (p.Pro147Ala). This variant is present in population databases (rs202205105, gnomAD 0.2%). This variant has not been reported in the literature in individuals affected with MAG-related conditions. ClinVar contains an entry for this variant (Variation ID: 969102). Algorithms developed to predict the effect of missense changes on protein structure and function (SIFT, PolyPhen-2, Align-GVGD) all suggest that this variant is likely to be tolerated. In summary, the available evidence is currently insufficient to determine the role of this variant in disease. Therefore, it has been classified as a Variant of Uncertain Significance.